The following is an entry in ClinVar:

NM_007194.4(CHEK2):c.289T>A (p.Trp97Arg)

Gene: CHEK2 (checkpoint kinase 2; minus strand). Cytogenetic location: 22q12.1.
Variant type: single nucleotide variant.
Coding change: c.289T>A on transcript NM_007194.4 (MANE Select); coding-DNA position 289, T replaced by A.
Protein change: p.Trp97Arg; replaces tryptophan 97 with arginine.
Molecular consequence: missense variant. On other transcripts: 5 prime UTR variant (1), intron variant (1).
Genome position (GRCh38, 1-based): chr22:28,734,433, A>T on the plus strand (T>A on the coding strand, the complement: CHEK2 is on the minus strand). VCF-style: chr22-28734433-A-T. GRCh37 (hg19) VCF-style: chr22-29130421-A-T.
Other names: c.289T>A, p.Trp97Arg (NM_001005735.3, NM_001349956.3, NM_001438293.1 and 3 more transcripts); c.-489T>A (NM_001257387.3); c.-345+7336T>A (NM_001437942.1); short protein forms W97R.
Identifiers: ClinVar variation 4735450 (VCV004735450.1).

ClinVar aggregate classification (germline): Uncertain significance (1 of 4 stars; one submission).

Conditions:
Familial cancer of breast. Also called: hereditary breast carcinoma; BREAST CANCER, FAMILIAL; Hereditary breast cancer. Identifiers: Orphanet 227535, MedGen C0346153, MONDO:0016419, OMIM 114480. Disease mechanism: loss of function.

Submission:

Labcorp Genetics (formerly Invitae), Labcorp
Classification: Uncertain significance for Familial cancer of breast. Last evaluated: 2026-01-15. Review status: criteria provided, single submitter. Criteria: Invitae Variant Classification Sherloc (09022015). Collection method: clinical testing. Allele origin: germline.
Comment: This sequence change replaces tryptophan, which is neutral and slightly polar, with arginine, which is basic and polar, at codon 97 of the CHEK2 protein (p.Trp97Arg). This variant is not present in population databases (gnomAD no frequency). This variant has not been reported in the literature in individuals affected with CHEK2-related conditions. An algorithm developed to predict the effect of missense changes on protein structure and function (PolyPhen-2) suggests that this variant is likely to be tolerated. In summary, the available evidence is currently insufficient to determine the role of this variant in disease. Therefore, it has been classified as a Variant of Uncertain Significance.